The following is an entry in ClinVar:

NM_003227.4(TFR2):c.1942del (p.Asp648fs)

Gene: TFR2 (transferrin receptor 2; minus strand). Cytogenetic location: 7q22.1.
Variant type: Deletion.
Coding change: c.1942del on transcript NM_003227.4 (MANE Select); coding-DNA position 1942, one base deleted (G; older notation c.1942delG).
Protein change: p.Asp648fs; shifts the reading frame from aspartic acid 648.
Molecular consequence: frameshift variant.
Genome position (GRCh38, 1-based): chr7:100,627,317, C deleted on the plus strand (G on the coding strand, the reverse complement: TFR2 is on the minus strand); the first of 4 consecutive C bases (chr7:100,627,317-100,627,320); deleting any one gives the same sequence. VCF-style (leftmost placement, unchanged base first): chr7-100627316-TC-T. GRCh37 (hg19) VCF-style: chr7-100224939-TC-T.
Other names: c.1429del, p.Asp477fs (NM_001206855.3); short protein forms D477fs, D648fs.
Identifiers: ClinVar variation 3020215 (VCV003020215.3), dbSNP rs2486117181, ClinGen allele CA2740097439.

ClinVar aggregate classification (germline): Pathogenic (1 of 4 stars; one submission).

Conditions:
Hereditary hemochromatosis (HFE). Identifiers: MedGen C0392514, MONDO:0006507. Disease mechanism: loss of function.

Submission:

Labcorp Genetics (formerly Invitae), Labcorp
Classification: Pathogenic for Hereditary hemochromatosis. Last evaluated: 2023-10-08. Review status: criteria provided, single submitter. Criteria: Invitae Variant Classification Sherloc (09022015). Collection method: clinical testing. Allele origin: germline.
Comment: This sequence change creates a premature translational stop signal (p.Asp648Thrfs*22) in the TFR2 gene. It is expected to result in an absent or disrupted protein product. Loss-of-function variants in TFR2 are known to be pathogenic (PMID: 23600741, 26029709). This variant is not present in population databases (gnomAD no frequency). This variant has not been reported in the literature in individuals affected with TFR2-related conditions. For these reasons, this variant has been classified as Pathogenic.

Literature cited by the submitters: PubMed 23600741; PubMed 26029709.